The following is an entry in ClinVar:

ClinVar aggregate classification (germline): Uncertain significance (1 of 4 stars; one submission).

Submission:

Labcorp Genetics (formerly Invitae), Labcorp
Classification: Uncertain significance. Last evaluated: 2024-03-29. Review status: criteria provided, single submitter. Criteria: Invitae Variant Classification Sherloc (09022015). Collection method: clinical testing. Allele origin: germline.
Comment: This sequence change replaces aspartic acid, which is acidic and polar, with histidine, which is basic and polar, at codon 204 of the MMP13 protein (p.Asp204His). This variant is not present in population databases (gnomAD no frequency). This variant has not been reported in the literature in individuals affected with MMP13-related conditions. Advanced modeling of protein sequence and biophysical properties (such as structural, functional, and spatial information, amino acid conservation, physicochemical variation, residue mobility, and thermodynamic stability) performed at Invitae indicates that this missense variant is expected to disrupt MMP13 protein function with a positive predictive value of 80%. In summary, the available evidence is currently insufficient to determine the role of this variant in disease. Therefore, it has been classified as a Variant of Uncertain Significance.

NM_002427.4(MMP13):c.610G>C (p.Asp204His)

Gene: MMP13 (matrix metallopeptidase 13; minus strand). Cytogenetic location: 11q22.2.
Variant type: single nucleotide variant.
Coding change: c.610G>C on transcript NM_002427.4 (MANE Select); coding-DNA position 610, G replaced by C.
Protein change: p.Asp204His; replaces aspartic acid 204 with histidine.
Molecular consequence: missense variant.
Genome position (GRCh38, 1-based): chr11:102,954,183, C>G on the plus strand (G>C on the coding strand, the complement: MMP13 is on the minus strand). VCF-style: chr11-102954183-C-G. GRCh37 (hg19) VCF-style: chr11-102824912-C-G.
Other names: short protein forms D204H.
Identifiers: ClinVar variation 3616356 (VCV003616356.2).
Genomic context (GRCh38, chr11:102,954,183, plus strand): 5'-ACACATAAATGATATCTTTATAAGAAACATTACCTTTGGAACTACTTGTCCAGGTTTCAT[C>G]ATCATCAAAATGGGCATCTCCTCCATAATTTGGCCCAGGAGGAAAAGCATGAGCCAGCAG-3'
Protein context (NP_002418.1, residues 194-214): NYGGDAHFDD[Asp204His]ETWTSSSKGY